The following is an entry in ClinVar:

NM_030662.4(MAP2K2):c.976G>T (p.Val326Leu)

Gene: MAP2K2 (mitogen-activated protein kinase kinase 2; minus strand). Cytogenetic location: 19p13.3.
Variant type: single nucleotide variant.
Coding change: c.976G>T on transcript NM_030662.4 (MANE Select); coding-DNA position 976, G replaced by T.
Protein change: p.Val326Leu; replaces valine 326 with leucine.
Molecular consequence: missense variant.
Genome position (GRCh38, 1-based): chr19:4,097,287, C>A on the plus strand (G>T on the coding strand, the complement: MAP2K2 is on the minus strand). VCF-style: chr19-4097287-C-A. GRCh37 (hg19) VCF-style: chr19-4097285-C-A.
Other names: short protein forms V326L.
Identifiers: ClinVar variation 1722188 (VCV001722188.5), dbSNP rs2512305314, ClinGen allele CA403383842.

ClinVar aggregate classification (germline): Uncertain significance (1 of 4 stars; one submission).

Conditions:
RASopathy. Also called: Noonan spectrum disorder; rasopathies. Identifiers: Orphanet 536391, MedGen C5555857, MONDO:0021060.

Allele frequency attached by ClinVar (database versions not stated): gnomAD exomes below 0.00001.
gnomAD v4.1: 2 of 1,606,170 alleles (0.00012%); highest among the groups gnomAD compares: Non-Finnish European, 0.00017%; no homozygotes.

Submission:

Labcorp Genetics (formerly Invitae), Labcorp
Classification: Uncertain significance for RASopathy. Last evaluated: 2024-10-14. Review status: criteria provided, single submitter. Criteria: Invitae Variant Classification Sherloc (09022015). Collection method: clinical testing. Allele origin: germline.
Comment: This sequence change replaces valine, which is neutral and non-polar, with leucine, which is neutral and non-polar, at codon 326 of the MAP2K2 protein (p.Val326Leu). This variant is not present in population databases (gnomAD no frequency). This variant has not been reported in the literature in individuals affected with MAP2K2-related conditions. ClinVar contains an entry for this variant (Variation ID: 1722188). Invitae Evidence Modeling of protein sequence and biophysical properties (such as structural, functional, and spatial information, amino acid conservation, physicochemical variation, residue mobility, and thermodynamic stability) has been performed for this missense variant. However, the output from this modeling did not meet the statistical confidence thresholds required to predict the impact of this variant on MAP2K2 protein function. In summary, the available evidence is currently insufficient to determine the role of this variant in disease. Therefore, it has been classified as a Variant of Uncertain Significance.